The following is an entry in ClinVar:

NM_001382567.1(STIM1):c.1772T>C (p.Ile591Thr)

Gene: STIM1 (stromal interaction molecule 1; plus strand). Cytogenetic location: 11p15.4.
Variant type: single nucleotide variant.
Coding change: c.1772T>C on transcript NM_001382567.1 (MANE Select); coding-DNA position 1772, T replaced by C.
Protein change: p.Ile591Thr; replaces isoleucine 591 with threonine.
Molecular consequence: missense variant. On other transcripts: 3 prime UTR variant (4), non-coding transcript variant (3).
Genome position (GRCh38, 1-based): chr11:4,091,419, T>C. VCF-style: chr11-4091419-T-C. GRCh37 (hg19) VCF-style: chr11-4112649-T-C.
Other names: c.1997T>C, p.Ile666Thr (NM_001277961.3); c.*93T>C (NM_001277962.2, NM_001382578.1, NM_001382579.1 and 1 more transcripts); c.1775T>C, p.Ile592Thr (NM_001382566.1); c.1700T>C, p.Ile567Thr (NM_001382568.1); c.1544T>C, p.Ile515Thr (NM_001382569.1); c.1451T>C, p.Ile484Thr (NM_001382570.1); c.1199T>C, p.Ile400Thr (NM_001382571.1); c.1457T>C, p.Ile486Thr (NM_001382575.1, NM_001382576.1, NM_001382577.1); and 2 more; short protein forms I397T, I400T, I484T, I486T, I515T, I560T, I567T, I591T.
Identifiers: ClinVar variation 1057160 (VCV001057160.10), dbSNP rs1036967931, ClinGen allele CA216533926.

ClinVar aggregate classification (germline): Uncertain significance. Review status: criteria provided, multiple submitters, no conflicts (2 of 4 stars). 2 submissions from 2 submitters: Uncertain significance (2). Last evaluated 2026-06-11.

Conditions:
Stormorken syndrome (STRMK). Also called: THROMBOCYTOPATHY, ASPLENIA, AND MIOSIS. Identifiers: Orphanet 3204, MedGen C1861451, MONDO:0008497, OMIM 185070.
Combined immunodeficiency due to STIM1 deficiency. Also called: STIM1 DEFICIENCY; IMMUNODEFICIENCY 10. Identifiers: Orphanet 169090, Orphanet 317430, MedGen C2748557, MONDO:0013008, OMIM 612783.
Myopathy with tubular aggregates (TAM). Also called: Tubular Aggregate Myopathy. Identifiers: Orphanet 2593, MedGen C0410207, MONDO:0008051.

Allele frequency attached by ClinVar (database versions not stated): gnomAD exomes below 0.00001 and 0.00002; TOPMed 0.00002.
gnomAD v4.1: 3 of 1,614,150 alleles (0.00019%); highest among the groups gnomAD compares: Admixed American, 0.0033%; no homozygotes.

Submissions (2):

Women's Health and Genetics/Laboratory Corporation of America, LabCorp
Classification: Uncertain significance. Last evaluated: 2026-06-11. Review status: criteria provided, single submitter. Criteria: LabCorp Variant Classification Summary - May 2015. Collection method: clinical testing. Allele origin: germline.
Comment: Variant summary: STIM1 c.1679T>C (p.Ile560Thr) results in a non-conservative amino acid change in the encoded protein sequence. Algorithms developed to predict the effect of missense changes on protein structure and function are either unavailable or do not agree on the potential impact of this missense change. The variant allele was found at a frequency of 1.6e-05 in 251338 control chromosomes. The available data on variant occurrences in the general population are insufficient to allow any conclusion about variant significance. To our knowledge, no occurrence of c.1679T>C in individuals affected with STIM1-related conditions and no experimental evidence demonstrating its impact on protein function have been reported. ClinVar contains an entry for this variant (Variation ID: 1057160). Based on the evidence outlined above, the variant was classified as uncertain significance.

Labcorp Genetics (formerly Invitae), Labcorp
Classification: Uncertain significance for Myopathy with tubular aggregates; Combined immunodeficiency due to STIM1 deficiency; Stormorken syndrome. Last evaluated: 2025-07-07. Review status: criteria provided, single submitter. Criteria: Invitae Variant Classification Sherloc (09022015). Collection method: clinical testing. Allele origin: germline.
Comment: This sequence change replaces isoleucine, which is neutral and non-polar, with threonine, which is neutral and polar, at codon 560 of the STIM1 protein (p.Ile560Thr). This variant is present in population databases (no rsID available, gnomAD 0.006%). This variant has not been reported in the literature in individuals affected with STIM1-related conditions. ClinVar contains an entry for this variant (Variation ID: 1057160). Invitae Evidence Modeling of protein sequence and biophysical properties (such as structural, functional, and spatial information, amino acid conservation, physicochemical variation, residue mobility, and thermodynamic stability) indicates that this missense variant is not expected to disrupt STIM1 protein function with a negative predictive value of 95%. In summary, the available evidence is currently insufficient to determine the role of this variant in disease. Therefore, it has been classified as a Variant of Uncertain Significance.